The following is an entry in ClinVar:

NM_000059.4(BRCA2):c.3491_3493del (p.Leu1164del)

Gene: BRCA2 (BRCA2 DNA repair associated; plus strand). Cytogenetic location: 13q13.1.
Variant type: Deletion.
Coding change: c.3491_3493del on transcript NM_000059.4 (MANE Select); coding-DNA positions 3491 to 3493, 3 bases deleted (TTC; older notation c.3491_3493delTTC).
Protein change: p.Leu1164del; deletes leucine 1164.
Molecular consequence: inframe deletion.
Genome position (GRCh38, 1-based): chr13:32,337,846-32,337,848, TTC deleted; deleting any 3 consecutive bases within chr13:32,337,844-32,337,848 gives the same sequence; the c. name uses the placement nearest the transcript's 3' end. VCF-style (leftmost placement, unchanged base first): chr13-32337843-ATCT-A. GRCh37 (hg19) VCF-style: chr13-32911980-ATCT-A.
Other names: c.3491_3493delTTC (NM_000059.3); short protein forms L1164del.
Identifiers: ClinVar variation 489757 (VCV000489757.7), dbSNP rs1555283265, ClinGen allele CA658683865.

ClinVar aggregate classification (germline): Uncertain significance. Review status: criteria provided, multiple submitters, no conflicts (2 of 4 stars). 4 submissions from 4 submitters: Uncertain significance (4). Last evaluated 2024-07-11.

Conditions:
Hereditary cancer-predisposing syndrome. Also called: Hereditary Cancer Syndrome; Neoplastic Syndromes, Hereditary; Tumor predisposition; Hereditary neoplastic syndrome. Identifiers: Orphanet 140162, MedGen C0027672, MeSH D009386, MONDO:0015356.
Hereditary breast ovarian cancer syndrome. Also called: Breast and ovarian cancer; Hereditary breast and/or ovarian cancer syndrome; Hereditary breast and ovarian cancer; Hereditary breast and ovarian cancer syndrome (HBOC); BRCA1- and BRCA2-Associated Hereditary Breast and Ovarian Cancer; Hereditary breast and ovarian cancer syndrome. Identifiers: Orphanet 145, MedGen C0677776, MeSH D061325, MONDO:0003582. Disease mechanism: loss of function.
Familial pancreatic carcinoma. Identifiers: Orphanet 1333, MedGen C2931038, MONDO:0015278, OMIM 260350.

Submissions (4):

Labcorp Genetics (formerly Invitae), Labcorp
Classification: Uncertain significance for Hereditary breast ovarian cancer syndrome. Last evaluated: 2024-07-11. Review status: criteria provided, single submitter. Criteria: Invitae Variant Classification Sherloc (09022015). Collection method: clinical testing. Allele origin: germline.
Comment: This variant, c.3491_3493del, results in the deletion of 1 amino acid(s) of the BRCA2 protein (p.Leu1164del), but otherwise preserves the integrity of the reading frame. This variant is not present in population databases (gnomAD no frequency). This variant has not been reported in the literature in individuals affected with BRCA2-related conditions. ClinVar contains an entry for this variant (Variation ID: 489757). In summary, the available evidence is currently insufficient to determine the role of this variant in disease. Therefore, it has been classified as a Variant of Uncertain Significance.

Ambry Genetics
Classification: Uncertain significance for Hereditary cancer-predisposing syndrome. Last evaluated: 2024-03-12. Review status: criteria provided, single submitter. Criteria: Ambry Variant Classification Scheme 2023. Collection method: clinical testing. Allele origin: germline.
Comment: The c.3491_3493delTTC variant (also known as p.L1164del) is located in coding exon 10 of the BRCA2 gene. This variant results from an in-frame TTC deletion at nucleotide positions 3491 to 3493. This results in the in-frame deletion of a leucine at codon 1164. This amino acid position is not well conserved in available vertebrate species. In addition, this alteration is predicted to be deleterious by in silico analysis (Choi Y et al. PLoS ONE. 2012; 7(10):e46688). Since supporting evidence is limited at this time, the clinical significance of this alteration remains unclear.

Department of Pathology and Laboratory Medicine, Sinai Health System
Classification: Uncertain significance for Hereditary breast ovarian cancer syndrome; Familial pancreatic carcinoma. Last evaluated: 2021-11-25. Review status: criteria provided, single submitter. Criteria: ACMG Guidelines, 2015. Collection method: clinical testing. Allele origin: germline. Affected: yes.

Color Diagnostics, LLC DBA Color Health
Classification: Uncertain significance for Hereditary cancer-predisposing syndrome. Last evaluated: 2019-02-28. Review status: criteria provided, single submitter. Criteria: ACMG Guidelines, 2015. Collection method: clinical testing. Allele origin: germline.